The following is an entry in ClinVar:

NM_001079802.2(FKTN):c.432del (p.Arg146fs)

Gene: FKTN (fukutin; plus strand). Cytogenetic location: 9q31.2.
Variant type: Deletion.
Coding change: c.432del on transcript NM_001079802.2 (MANE Select); coding-DNA position 432, one base deleted (T; older notation c.432delT).
Protein change: p.Arg146fs; shifts the reading frame from arginine 146.
Molecular consequence: frameshift variant. On other transcripts: non-coding transcript variant (2).
Genome position (GRCh38, 1-based): chr9:105,604,277, T deleted. VCF-style (leftmost placement, unchanged base first): chr9-105604276-AT-A. GRCh37 (hg19) VCF-style: chr9-108366557-AT-A.
Other names: c.432del, p.Arg146fs (NM_001198963.2, NM_001351496.2, NM_001351498.2 and 1 more transcripts); c.363del, p.Arg123fs (NM_001351497.2); c.36del, p.Arg14fs (NM_001351499.2, NM_001351500.2, NM_001351501.2 and 1 more transcripts); c.432delT (NM_001079802.1); short protein forms R123fs, R14fs, R146fs.
Identifiers: ClinVar variation 648485 (VCV000648485.4), dbSNP rs1588110929, ClinGen allele CA915947065.

ClinVar aggregate classification (germline): Pathogenic (1 of 4 stars; one submission).

Conditions:
Walker-Warburg congenital muscular dystrophy. Also called: Muscular dystrophy-dystroglycanopathy, type A; Walker-Warburg syndrome. Identifiers: Orphanet 899, MedGen C0265221, MONDO:0000171.

Allele frequency attached by ClinVar (database versions not stated): gnomAD exomes below 0.00001; TOPMed below 0.00001.

Submission:

Labcorp Genetics (formerly Invitae), Labcorp
Classification: Pathogenic for Walker-Warburg congenital muscular dystrophy. Last evaluated: 2022-05-17. Review status: criteria provided, single submitter. Criteria: Invitae Variant Classification Sherloc (09022015). Collection method: clinical testing. Allele origin: germline.
Comment: This sequence change creates a premature translational stop signal (p.Arg146Glyfs*2) in the FKTN gene. It is expected to result in an absent or disrupted protein product. Loss-of-function variants in FKTN are known to be pathogenic (PMID: 17044012, 17878207, 18752264). This variant is not present in population databases (gnomAD no frequency). This variant has not been reported in the literature in individuals affected with FKTN-related conditions. ClinVar contains an entry for this variant (Variation ID: 648485). For these reasons, this variant has been classified as Pathogenic.

Literature cited by the submitters: PubMed 17044012; PubMed 17878207; PubMed 18752264.